The following is an entry in ClinVar:

ClinVar aggregate classification (germline): Uncertain significance. Review status: criteria provided, multiple submitters, no conflicts (2 of 4 stars). 2 submissions from 2 submitters: Uncertain significance (2). Last evaluated 2021-11-17.

gnomAD v4.1: 3 of 1,609,440 alleles (0.00019%); highest among the groups gnomAD compares: Non-Finnish European, 0.00026%; no homozygotes.

Submissions (2):

Labcorp Genetics (formerly Invitae), Labcorp
Classification: Uncertain significance. Last evaluated: 2021-11-17. Review status: criteria provided, single submitter. Criteria: Invitae Variant Classification Sherloc (09022015). Collection method: clinical testing. Allele origin: germline.
Comment: In summary, the available evidence is currently insufficient to determine the role of this variant in disease. Therefore, it has been classified as a Variant of Uncertain Significance. Algorithms developed to predict the effect of missense changes on protein structure and function are either unavailable or do not agree on the potential impact of this missense change (SIFT: "Deleterious"; PolyPhen-2: "Probably Damaging"; Align-GVGD: "Class C0"). This variant has not been reported in the literature in individuals affected with PDE6B-related conditions. This variant is not present in population databases (gnomAD no frequency). This sequence change replaces leucine, which is neutral and non-polar, with phenylalanine, which is neutral and non-polar, at codon 228 of the PDE6B protein (p.Leu228Phe).

Blueprint Genetics
Classification: Uncertain significance. Last evaluated: 2019-04-16. Review status: criteria provided, single submitter. Criteria: ACMG Guidelines, 2015. Collection method: clinical testing. Allele origin: germline.

NM_000283.4(PDE6B):c.682C>T (p.Leu228Phe)

Gene: PDE6B (phosphodiesterase 6B; plus strand). Cytogenetic location: 4p16.3.
Variant type: single nucleotide variant.
Coding change: c.682C>T on transcript NM_000283.4 (MANE Select); coding-DNA position 682, C replaced by T.
Protein change: p.Leu228Phe; replaces leucine 228 with phenylalanine.
Molecular consequence: missense variant.
Genome position (GRCh38, 1-based): chr4:635,940, C>T. VCF-style: chr4-635940-C-T. GRCh37 (hg19) VCF-style: chr4-629729-C-T.
Other names: c.682C>T, p.Leu228Phe (NM_001145291.2); short protein forms L228F.
Identifiers: ClinVar variation 1477621 (VCV001477621.7), dbSNP rs201584824, ClinGen allele CA355909006.